The following is an entry in ClinVar:

NM_001142800.2(EYS):c.2575C>G (p.Pro859Ala)

Gene: EYS (eyes shut homolog; minus strand). Cytogenetic location: 6q12.
Variant type: single nucleotide variant.
Coding change: c.2575C>G on transcript NM_001142800.2 (MANE Select); coding-DNA position 2575, C replaced by G.
Protein change: p.Pro859Ala; replaces proline 859 with alanine.
Molecular consequence: missense variant.
Genome position (GRCh38, 1-based): chr6:64,912,550, G>C on the plus strand (C>G on the coding strand, the complement: EYS is on the minus strand). VCF-style: chr6-64912550-G-C. GRCh37 (hg19) VCF-style: chr6-65622443-G-C.
Other names: c.2575C>G, p.Pro859Ala (NM_001292009.2); short protein forms P859A.
Identifiers: ClinVar variation 2186174 (VCV002186174.1), dbSNP rs918658108, ClinGen allele CA140380272.

ClinVar aggregate classification (germline): Uncertain significance (1 of 4 stars; one submission).

Allele frequency attached by ClinVar (database versions not stated): TOPMed 0.00001.
gnomAD v4.1: 2 of 1,551,174 alleles (0.00013%); highest among the groups gnomAD compares: Admixed American, 0.0039%; no homozygotes.

Submission:

Labcorp Genetics (formerly Invitae), Labcorp
Classification: Uncertain significance. Last evaluated: 2022-08-21. Review status: criteria provided, single submitter. Criteria: Invitae Variant Classification Sherloc (09022015). Collection method: clinical testing. Allele origin: germline.
Comment: This sequence change replaces proline, which is neutral and non-polar, with alanine, which is neutral and non-polar, at codon 859 of the EYS protein (p.Pro859Ala). This variant is present in population databases (no rsID available, gnomAD 0.008%). This variant has not been reported in the literature in individuals affected with EYS-related conditions. Algorithms developed to predict the effect of missense changes on protein structure and function are either unavailable or do not agree on the potential impact of this missense change (SIFT: "Tolerated"; PolyPhen-2: "Probably Damaging"; Align-GVGD: "Class C0"). In summary, the available evidence is currently insufficient to determine the role of this variant in disease. Therefore, it has been classified as a Variant of Uncertain Significance.